The following is an entry in ClinVar:

GRCh37/hg19 16p13.11-12.3(chr16:14900168-16869135)x3

Genes: BMERB1 (bMERB domain containing 1; plus strand), ABCC1 (ATP binding cassette subfamily C member 1 (ABCC1 blood group); plus strand), ABCC6 (ATP binding cassette subfamily C member 6; minus strand), CEP20 (centrosomal protein 20; minus strand), MARF1 (meiosis regulator and mRNA stability factor 1; minus strand) and 10 more. Cytogenetic location: 16p13.11-12.3.
Variant type: copy number gain.
Change: copy number 3 (three copies instead of two) of chr16:14,900,168-16,869,135 (1.97 Mb, GRCh37 coordinates, 1-based), cytogenetic band 16p13.11-12.3.
Identifiers: ClinVar variation 815799 (VCV000815799.3).

ClinVar aggregate classification (germline): Likely pathogenic (1 of 4 stars; one submission).

Submission:

Quest Diagnostics Nichols Institute San Juan Capistrano
Classification: Likely pathogenic. Last evaluated: 2022-08-07. Review status: criteria provided, single submitter. Criteria: ACMG/ClinGen CNV Guidelines, 2019. Collection method: clinical testing. Allele origin: unknown.
Comment: This copy number gain of 16p13.11 involves multiple protein-coding genes and confers susceptibility to a range of neurodevelopmental disorders and increased risk for cardiovascular disease (Allach El Khattabi et al., J Med Genet. 2018 Oct 4. Pii: jmedgenet-2018-105389. PMID: 30287593). Similar duplications are repeatedly observed in uncharacterized controls and in unaffected relatives (Ullmann R et al., Hum Mutat. 2007 Jul;28(7):674-82.PMID: 17480035; Hannes FD et al., J Med Genet. 2009 Apr;46(4):223-32. PMID: 18550696). However, the duplication is enriched in patients versus controls in multiple case-control studies (Coe et al., Nat Genet. 2014 Oct;46(10):1063-71., PMID: 25217958; Girirajan et al., N Engl J Med. 2012 Oct 4;367(14):1321-31., PMID: 22970919), with some exceptions (Kaminsky et al., Genet Med. 2011 Sep;13(9):777-84., PMID: 21844811). Thus, the clinical significance of this copy number variant (CNV) is likely pathogenic, with variable expressivity and incomplete penetrance.